The following is an entry in ClinVar:

NM_182931.3(KMT2E):c.986A>G (p.Lys329Arg)

Gene: KMT2E (lysine methyltransferase 2E (inactive); plus strand). Cytogenetic location: 7q22.3.
Variant type: single nucleotide variant.
Coding change: c.986A>G on transcript NM_182931.3 (MANE Select); coding-DNA position 986, A replaced by G.
Protein change: p.Lys329Arg; replaces lysine 329 with arginine.
Molecular consequence: missense variant.
Genome position (GRCh38, 1-based): chr7:105,077,180, A>G. VCF-style: chr7-105077180-A-G. GRCh37 (hg19) VCF-style: chr7-104717627-A-G.
Other names: c.986A>G, p.Lys329Arg (NM_001410908.1, NM_018682.4); short protein forms K329R.
Identifiers: ClinVar variation 4688191 (VCV004688191.1).

ClinVar aggregate classification (germline): Uncertain significance (1 of 4 stars; one submission).

gnomAD v4.1: 1 of 1,613,508 alleles (0.000062%); highest among the groups gnomAD compares: African/African-American, 0.0013%; no homozygotes.

Submission:

Women's Health and Genetics/Laboratory Corporation of America, LabCorp
Classification: Uncertain significance. Last evaluated: 2025-12-19. Review status: criteria provided, single submitter. Criteria: LabCorp Variant Classification Summary - May 2015. Collection method: clinical testing. Allele origin: germline.
Comment: Variant summary: KMT2E c.986A>G (p.Lys329Arg) results in a conservative amino acid change in the encoded protein sequence. Algorithms developed to predict the effect of missense changes on protein structure and function are either unavailable or do not agree on the potential impact of this missense change. The variant was absent in 250586 control chromosomes. The available data on variant occurrences in the general population are insufficient to allow any conclusion about variant significance. To our knowledge, no occurrence of c.986A>G in individuals affected with KMT2E-related conditions and no experimental evidence demonstrating its impact on protein function have been reported. No submitters have cited clinical-significance assessments for this variant to ClinVar. Based on the evidence outlined above, the variant was classified as uncertain significance.